The following is an entry in ClinVar:

ClinVar aggregate classification (germline): Uncertain significance. Review status: criteria provided, multiple submitters, no conflicts (2 of 4 stars). 2 submissions from 2 submitters: Uncertain significance (2). Last evaluated 2025-11-26.

Conditions:
Inborn genetic diseases. Identifiers: MedGen C0950123, MeSH D030342.

Allele frequency attached by ClinVar (database versions not stated): ESP Exome Variant Server 0.00015.

Submissions (2):

Ambry Genetics
Classification: Uncertain significance for Inborn genetic diseases. Last evaluated: 2025-11-26. Review status: criteria provided, single submitter. Criteria: Ambry Variant Classification Scheme 2023. Collection method: clinical testing. Allele origin: germline.

Labcorp Genetics (formerly Invitae), Labcorp
Classification: Uncertain significance. Last evaluated: 2025-10-01. Review status: criteria provided, single submitter. Criteria: Invitae Variant Classification Sherloc (09022015). Collection method: clinical testing. Allele origin: germline.
Comment: This sequence change replaces threonine, which is neutral and polar, with methionine, which is neutral and non-polar, at codon 169 of the PDGFB protein (p.Thr169Met). This variant is present in population databases (rs143980537, gnomAD 0.01%). This variant has not been reported in the literature in individuals affected with PDGFB-related conditions. ClinVar contains an entry for this variant (Variation ID: 2264365). Invitae Evidence Modeling of protein sequence and biophysical properties (such as structural, functional, and spatial information, amino acid conservation, physicochemical variation, residue mobility, and thermodynamic stability) indicates that this missense variant is not expected to disrupt PDGFB protein function with a negative predictive value of 80%. In summary, the available evidence is currently insufficient to determine the role of this variant in disease. Therefore, it has been classified as a Variant of Uncertain Significance.

NM_002608.4(PDGFB):c.506C>T (p.Thr169Met)

Gene: PDGFB (platelet derived growth factor subunit B; minus strand). Cytogenetic location: 22q13.1.
Variant type: single nucleotide variant.
Coding change: c.506C>T on transcript NM_002608.4 (MANE Select); coding-DNA position 506, C replaced by T.
Protein change: p.Thr169Met; replaces threonine 169 with methionine.
Molecular consequence: missense variant.
Genome position (GRCh38, 1-based): chr22:39,230,179, G>A on the plus strand (C>T on the coding strand, the complement: PDGFB is on the minus strand). VCF-style: chr22-39230179-G-A. GRCh37 (hg19) VCF-style: chr22-39626184-G-A.
Other names: c.461C>T, p.Thr154Met (NM_033016.3); short protein forms T169M, T154M.
Identifiers: ClinVar variation 2264365 (VCV002264365.4), dbSNP rs143980537, ClinGen allele CA10240087.